The following is an entry in ClinVar:

ClinVar aggregate classification (germline): Uncertain significance (1 of 4 stars; one submission).

Conditions:
Progressive microcephaly-seizures-cortical blindness-developmental delay syndrome. Also called: Seizures, cortical blindness, and microcephaly syndrome. Identifiers: Orphanet 477814, MedGen C5567650, MONDO:0014714, OMIM 616632.
Autosomal dominant nonsyndromic hearing loss 1. Also called: DEAFNESS, AUTOSOMAL DOMINANT 1, WITH OR WITHOUT THROMBOCYTOPENIA; KONIGSMARK SYNDROME. Identifiers: Orphanet 90635, MedGen C1852282, MONDO:0007424, OMIM 124900.

Allele frequency attached by ClinVar (database versions not stated): TOPMed below 0.00001; gnomAD exomes 0.00001.

Submission:

Labcorp Genetics (formerly Invitae), Labcorp
Classification: Uncertain significance for Progressive microcephaly-seizures-cortical blindness-developmental delay syndrome; Autosomal dominant nonsyndromic hearing loss 1. Last evaluated: 2023-06-22. Review status: criteria provided, single submitter. Criteria: Invitae Variant Classification Sherloc (09022015). Collection method: clinical testing. Allele origin: germline.
Comment: In summary, the available evidence is currently insufficient to determine the role of this variant in disease. Therefore, it has been classified as a Variant of Uncertain Significance. An algorithm developed to predict the effect of missense changes on protein structure and function (PolyPhen-2) suggests that this variant is likely to be disruptive. This variant has not been reported in the literature in individuals affected with DIAPH1-related conditions. This variant is present in population databases (no rsID available, gnomAD 0.0009%). This sequence change replaces glutamic acid, which is acidic and polar, with lysine, which is basic and polar, at codon 1040 of the DIAPH1 protein (p.Glu1040Lys).

NM_005219.5(DIAPH1):c.3118G>A (p.Glu1040Lys)

Gene: DIAPH1 (diaphanous related formin 1; minus strand). Cytogenetic location: 5q31.3.
Variant type: single nucleotide variant.
Coding change: c.3118G>A on transcript NM_005219.5 (MANE Select); coding-DNA position 3118, G replaced by A.
Protein change: p.Glu1040Lys; replaces glutamic acid 1040 with lysine.
Molecular consequence: missense variant.
Genome position (GRCh38, 1-based): chr5:141,528,483, C>T on the plus strand (G>A on the coding strand, the complement: DIAPH1 is on the minus strand). VCF-style: chr5-141528483-C-T. GRCh37 (hg19) VCF-style: chr5-140908050-C-T.
Other names: c.3091G>A, p.Glu1031Lys (NM_001079812.3); c.3118G>A, p.Glu1040Lys (NM_001314007.2); short protein forms E1040K, E1031K.
Identifiers: ClinVar variation 2924185 (VCV002924185.3), dbSNP rs1400939983, ClinGen allele CA361582229.